The following is an entry in ClinVar:

NM_006231.4(POLE):c.1717C>G (p.Arg573Gly)

Gene: POLE (DNA polymerase epsilon, catalytic subunit; minus strand). Cytogenetic location: 12q24.33.
Variant type: single nucleotide variant.
Coding change: c.1717C>G on transcript NM_006231.4 (MANE Select); coding-DNA position 1717, C replaced by G.
Protein change: p.Arg573Gly; replaces arginine 573 with glycine.
Molecular consequence: missense variant.
Genome position (GRCh38, 1-based): chr12:132,672,292, G>C on the plus strand (C>G on the coding strand, the complement: POLE is on the minus strand). VCF-style: chr12-132672292-G-C. GRCh37 (hg19) VCF-style: chr12-133248878-G-C.
Other names: short protein forms R573G.
Identifiers: ClinVar variation 568884 (VCV000568884.8), dbSNP rs373000452, ClinGen allele CA387356365.
Genomic context (GRCh38, chr12:132,672,292, plus strand): 5'-CTTGCTCCACAGGCACTTTCTCCTCTTCCTCAAGGGCGTGGCGCAAGGTCTTCTCAACCC[G>C]CTGCAGCAGGAAGTCAAAGGCGGCAGGATTCTAGCACAACAGTGAGACGACGGGGTCAGA-3'
Protein context (NP_006222.2, residues 563-583): NPAAFDFLLQ[Arg573Gly]VEKTLRHALE

ClinVar aggregate classification (germline): Uncertain significance (1 of 4 stars; one submission).

Submission:

Labcorp Genetics (formerly Invitae), Labcorp
Classification: Uncertain significance. Last evaluated: 2018-04-26. Review status: criteria provided, single submitter. Criteria: Invitae Variant Classification Sherloc (09022015). Collection method: clinical testing. Allele origin: germline.
Comment: Algorithms developed to predict the effect of missense changes on protein structure and function (SIFT, PolyPhen-2, Align-GVGD) all suggest that this variant is likely to be tolerated, but these predictions have not been confirmed by published functional studies and their clinical significance is uncertain. In summary, the available evidence is currently insufficient to determine the role of this variant in disease. Therefore, it has been classified as a Variant of Uncertain Significance. This sequence change replaces arginine with glycine at codon 573 of the POLE protein (p.Arg573Gly). The arginine residue is moderately conserved and there is a moderate physicochemical difference between arginine and glycine. This variant is not present in population databases (ExAC no frequency). This variant has not been reported in the literature in individuals with POLE-related disease.